The following is an entry in ClinVar:

ClinVar aggregate classification (germline): Pathogenic. Review status: criteria provided, multiple submitters, no conflicts (2 of 4 stars). 3 submissions from 2 submitters: Pathogenic (3). Last evaluated 2022-04-28.

Conditions:
Cataract. Also called: cataracts; Cataract (disease). Identifiers: MedGen C0086543, MeSH D002386, MONDO:0005129, HP:0000518.
Abnormal retinal pigmentation. Identifiers: MedGen C1862475, HP:0007703.
Monocular strabismus. Identifiers: MedGen C4023678, HP:0010877.
Coats disease. Also called: NDP-Related Coats Disease; RETINAL TELANGIECTASIS. Identifiers: Orphanet 190, MedGen C5964756, MONDO:0010269, OMIM 300216.
Retinal exudate. Identifiers: MedGen C0240897, HP:0001147.
Retinal detachment. Identifiers: MedGen C0035305, MONDO:0008375, OMIM 180050, HP:0000541.
Optic disc drusen. Identifiers: MedGen C0029128, MONDO:0001746, HP:0012426.
Rod-cone dystrophy. Identifiers: MedGen C4551714, HP:0000510.
Progressive visual loss. Identifiers: MedGen C1839364, HP:0000529.
Nystagmus. Identifiers: MedGen C0028738, MONDO:0004843, HP:0000639.
Blindness. Also called: Blindness (disorder). Identifiers: MedGen C0456909, MONDO:0001941, HP:0000618.
Pigmentary retinal dystrophy. Also called: Fundus albipunctatus. Identifiers: Orphanet 227796, Orphanet 52427, MedGen C0311338, MONDO:0007639, OMIM 136880, HP:0030642.

Submissions (3):

Labcorp Genetics (formerly Invitae), Labcorp
Classification: Pathogenic. Last evaluated: 2022-04-28. Review status: criteria provided, single submitter. Criteria: Invitae Variant Classification Sherloc (09022015). Collection method: clinical testing. Allele origin: germline.
Comment: This sequence change replaces serine, which is neutral and polar, with arginine, which is basic and polar, at codon 297 of the RHO protein (p.Ser297Arg). This variant is not present in population databases (gnomAD no frequency). This missense change has been observed in individuals with autosomal dominant retinitis pigmentosa (PMID: 7987331, 10967073; Invitae). ClinVar contains an entry for this variant (Variation ID: 523376). Algorithms developed to predict the effect of missense changes on protein structure and function are either unavailable or do not agree on the potential impact of this missense change (SIFT: "Deleterious"; PolyPhen-2: "Possibly Damaging"; Align-GVGD: "Class C15"). Experimental studies have shown that this missense change affects RHO function (PMID: 9380676, 30977563). For these reasons, this variant has been classified as Pathogenic.

Centre for Mendelian Genomics, University Medical Centre Ljubljana
Classification: Pathogenic for Abnormal retinal pigmentation; Blindness; Cataract; Exudative retinopathy; Nystagmus; Optic disc drusen; Progressive visual loss; Retinal detachment; Retinal exudate; Rod-cone dystrophy; Monocular strabismus. Last evaluated: 2017-01-01. Review status: criteria provided, single submitter. Criteria: ACMG Guidelines, 2015. Collection method: clinical testing. Allele origin: unknown. Affected: yes.

Centre for Mendelian Genomics, University Medical Centre Ljubljana
Classification: Pathogenic for Pigmentary retinal dystrophy. Last evaluated: 2016-01-01. Review status: criteria provided, single submitter. Criteria: ACMG Guidelines, 2015. Collection method: clinical testing. Allele origin: unknown. Affected: yes.
Comment: This variant was classified as: Pathogenic.

Literature cited by the submitters: PubMed 7987331 (cited by Labcorp Genetics (formerly Invitae), Labcorp); PubMed 10967073 (cited by Labcorp Genetics (formerly Invitae), Labcorp); PubMed 9380676 (cited by Labcorp Genetics (formerly Invitae), Labcorp); PubMed 30977563 (cited by Labcorp Genetics (formerly Invitae), Labcorp).

NM_000539.3(RHO):c.891C>G (p.Ser297Arg)

Gene: RHO (rhodopsin; plus strand). Cytogenetic location: 3q22.1.
Variant type: single nucleotide variant.
Coding change: c.891C>G on transcript NM_000539.3 (MANE Select); coding-DNA position 891, C replaced by G.
Protein change: p.Ser297Arg; replaces serine 297 with arginine.
Molecular consequence: missense variant.
Genome position (GRCh38, 1-based): chr3:129,532,727, C>G. VCF-style: chr3-129532727-C-G. GRCh37 (hg19) VCF-style: chr3-129251570-C-G.
Other names: short protein forms S297R.
Identifiers: ClinVar variation 523376 (VCV000523376.9), dbSNP rs142285818, ClinGen allele CA354470820.